The following is an entry in ClinVar:

NM_000843.4(GRM6):c.1600G>A (p.Val534Ile)

Genes: ZNF454 (zinc finger protein 454; plus strand), GRM6 (glutamate metabotropic receptor 6; minus strand). Cytogenetic location: 5q35.3.
Variant type: single nucleotide variant.
Coding change: c.1600G>A on transcript NM_000843.4 (MANE Select); coding-DNA position 1600, G replaced by A.
Protein change: p.Val534Ile; replaces valine 534 with isoleucine.
Molecular consequence: missense variant.
Genome position (GRCh38, 1-based): chr5:178,986,654, C>T on the plus strand (G>A on the coding strand, the complement: GRM6 is on the minus strand). VCF-style: chr5-178986654-C-T. GRCh37 (hg19) VCF-style: chr5-178413655-C-T.
Other names: c.1600G>A (NM_000843.3); short protein forms V534I.
Identifiers: ClinVar variation 1517784 (VCV001517784.4), dbSNP rs771522860, ClinGen allele CA3593984.

ClinVar aggregate classification (germline): Uncertain significance. Review status: criteria provided, multiple submitters, no conflicts (2 of 4 stars). 2 submissions from 2 submitters: Uncertain significance (2). Last evaluated 2026-09-10.

Conditions:
Inborn genetic diseases. Identifiers: MedGen C0950123, MeSH D030342.

Allele frequency attached by ClinVar (database versions not stated): ExAC 0.00003; gnomAD 0.00003 and 0.00004; gnomAD exomes 0.00002; TOPMed 0.00002.
gnomAD v4.1: 27 of 1,602,480 alleles (0.0017%); highest among the groups gnomAD compares: Admixed American, 0.005%; no homozygotes.

Submissions (2):

Ambry Genetics
Classification: Uncertain significance for Inborn genetic diseases. Last evaluated: 2026-09-10. Review status: criteria provided, single submitter. Criteria: Ambry Variant Classification Scheme 2023. Collection method: clinical testing. Allele origin: germline.

Labcorp Genetics (formerly Invitae), Labcorp
Classification: Uncertain significance. Last evaluated: 2022-09-12. Review status: criteria provided, single submitter. Criteria: Invitae Variant Classification Sherloc (09022015). Collection method: clinical testing. Allele origin: germline.
Comment: This sequence change replaces valine, which is neutral and non-polar, with isoleucine, which is neutral and non-polar, at codon 534 of the GRM6 protein (p.Val534Ile). This variant is present in population databases (rs771522860, gnomAD 0.004%). This variant has not been reported in the literature in individuals affected with GRM6-related conditions. ClinVar contains an entry for this variant (Variation ID: 1517784). Advanced modeling of protein sequence and biophysical properties (such as structural, functional, and spatial information, amino acid conservation, physicochemical variation, residue mobility, and thermodynamic stability) performed at Invitae indicates that this missense variant is not expected to disrupt GRM6 protein function. In summary, the available evidence is currently insufficient to determine the role of this variant in disease. Therefore, it has been classified as a Variant of Uncertain Significance.